The following is an entry in ClinVar:

NM_000219.6(KCNE1):c.20C>T (p.Thr7Ile)

Gene: KCNE1 (potassium voltage-gated channel subfamily E regulatory subunit 1; minus strand). Cytogenetic location: 21q22.12.
Variant type: single nucleotide variant.
Coding change: c.20C>T on transcript NM_000219.6 (MANE Select); coding-DNA position 20, C replaced by T.
Protein change: p.Thr7Ile; replaces threonine 7 with isoleucine.
Molecular consequence: missense variant.
Genome position (GRCh38, 1-based): chr21:34,449,615, G>A on the plus strand (C>T on the coding strand, the complement: KCNE1 is on the minus strand). VCF-style: chr21-34449615-G-A. GRCh37 (hg19) VCF-style: chr21-35821913-G-A.
Other names: c.20C>T (LRG_290t1); c.20C>T, p.Thr7Ile (NM_001127668.4, NM_001127669.4, NM_001127670.4 and 4 more transcripts); short protein forms T7I.
Identifiers: ClinVar variation 13476 (VCV000013476.3), dbSNP rs28933384, ClinGen allele CA256863.

ClinVar aggregate classification (germline): Pathogenic. Review status: no assertion criteria provided (0 of 4 stars). 2 submissions from 2 submitters: Pathogenic (1). 1 of the submissions does not count toward it. Last evaluated 1997-11-01.

Conditions:
Familial long QT syndrome (RWS). Also called: Romano-Ward syndrome; VENTRICULAR FIBRILLATION WITH PROLONGED QT INTERVAL; Congenital long QT syndrome. Identifiers: Orphanet 768, MedGen C1141890, MONDO:0019171.
Jervell and Lange-Nielsen syndrome 2 (JLNS2). Identifiers: Orphanet 768, Orphanet 90647, MedGen C2676723, MONDO:0012871, OMIM 612347.

Allele frequency attached by ClinVar (database versions not stated): gnomAD exomes below 0.00001; ExAC 0.00001.

Submissions (3):

OMIM
Classification: Pathogenic for JERVELL AND LANGE-NIELSEN SYNDROME 2. Last evaluated: 1997-11-01. Review status: no assertion criteria provided. Collection method: literature only. Allele origin: germline.

Cardiovascular Biomedical Research Unit, Royal Brompton & Harefield NHS Foundation Trust
No classification provided. Condition: Familial long QT syndrome. Review status: no classification provided. Collection method: literature only. Allele origin: germline. Not counted in ClinVar's aggregate classification.
Comment: This variant has been reported in the following publications (PMID:9354783).

Roden Lab, Vanderbilt University Medical Center
No classification provided (evidence only). Condition: Long QT syndrome 5. Review status: no classification provided. Collection method: in vitro. Allele origin: not applicable. Functional consequence: Effect on ion channel function. Not counted in ClinVar's aggregate classification.
ClinVar note: "not provided" was previously submitted as the classification for the variant. However, the classification appeared to be based only on an observation of functional data so it was converted to no classification on 2025-07-30.

Literature cited by the submitters: PubMed 9354783 (cited by OMIM and Cardiovascular Biomedical Research Unit, Royal Brompton & Harefield NHS Foundation Trust); PubMed 22581653 (cited by Cardiovascular Biomedical Research Unit, Royal Brompton & Harefield NHS Foundation Trust).